The following is an entry in ClinVar:

ClinVar aggregate classification (germline): Uncertain significance (1 of 4 stars; one submission).

Conditions:
Neurofibromatosis, type 1 (NF1). Also called: VON RECKLINGHAUSEN DISEASE; Neurofibromatosis, type I; NEUROFIBROMATOSIS, TYPE I, SOMATIC; Peripheral type neurofibromatosis. Identifiers: Orphanet 636, MedGen C0027831, MONDO:0018975, OMIM 162200. Disease mechanism: loss of function.

Submission:

Labcorp Genetics (formerly Invitae), Labcorp
Classification: Uncertain significance for Neurofibromatosis, type 1. Last evaluated: 2020-04-15. Review status: criteria provided, single submitter. Criteria: Invitae Variant Classification Sherloc (09022015). Collection method: clinical testing. Allele origin: germline.
Comment: In summary, the available evidence is currently insufficient to determine the role of this variant in disease. Therefore, it has been classified as a Variant of Uncertain Significance. Algorithms developed to predict the effect of missense changes on protein structure and function are either unavailable or do not agree on the potential impact of this missense change (SIFT: "Tolerated"; PolyPhen-2: "Probably Damaging"; Align-GVGD: "Class C0"). This variant has not been reported in the literature in individuals with NF1-related conditions. This variant is not present in population databases (ExAC no frequency). This sequence change replaces phenylalanine with isoleucine at codon 1110 of the NF1 protein (p.Phe1110Ile). The phenylalanine residue is moderately conserved and there is a small physicochemical difference between phenylalanine and isoleucine.

NM_001042492.3(NF1):c.3328T>A (p.Phe1110Ile)

Gene: NF1 (neurofibromin 1; plus strand). Cytogenetic location: 17q11.2.
Variant type: single nucleotide variant.
Coding change: c.3328T>A on transcript NM_001042492.3 (MANE Select); coding-DNA position 3328, T replaced by A.
Protein change: p.Phe1110Ile; replaces phenylalanine 1110 with isoleucine.
Molecular consequence: missense variant.
Genome position (GRCh38, 1-based): chr17:31,232,713, T>A. VCF-style: chr17-31232713-T-A. GRCh37 (hg19) VCF-style: chr17-29559731-T-A.
Other names: c.3328T>A, p.Phe1110Ile (NM_000267.4); short protein forms F1110I.
Identifiers: ClinVar variation 1018320 (VCV001018320.5), dbSNP rs2067134298, ClinGen allele CA398988988.